The following is an entry in ClinVar:

NM_017636.4(TRPM4):c.1254C>G (p.Ile418Met)

Gene: TRPM4 (transient receptor potential cation channel subfamily M member 4; plus strand). Cytogenetic location: 19q13.33.
Variant type: single nucleotide variant.
Coding change: c.1254C>G on transcript NM_017636.4 (MANE Select); coding-DNA position 1254, C replaced by G.
Protein change: p.Ile418Met; replaces isoleucine 418 with methionine.
Molecular consequence: missense variant. On other transcripts: 5 prime UTR variant (1), intron variant (1).
Genome position (GRCh38, 1-based): chr19:49,181,452, C>G. VCF-style: chr19-49181452-C-G. GRCh37 (hg19) VCF-style: chr19-49684709-C-G.
Other names: c.1254C>G, p.Ile418Met (NM_001195227.2); c.909C>G, p.Ile303Met (NM_001321281.2); c.-300C>G (NM_001321282.2); c.732C>G, p.Ile244Met (NM_001321283.2); c.202-1126C>G (NM_001321285.2); c.1254C>G (NM_017636.3); short protein forms I244M, I303M, I418M.
Identifiers: ClinVar variation 2152275 (VCV002152275.5), dbSNP rs775519334, ClinGen allele CA9569132.

ClinVar aggregate classification (germline): Uncertain significance. Review status: criteria provided, multiple submitters, no conflicts (2 of 4 stars). 2 submissions from 2 submitters: Uncertain significance (2). Last evaluated 2024-11-19.

Conditions:
Cardiovascular phenotype. Identifiers: MedGen CN230736.
Progressive familial heart block type IB (PFHB1B). Identifiers: Orphanet 871, MedGen C1970298, MONDO:0011474, OMIM 604559.

Allele frequency attached by ClinVar (database versions not stated): ExAC 0.00001; gnomAD 0.00001; TOPMed 0.00001; gnomAD exomes 0.00003.
gnomAD v4.1: 42 of 1,612,782 alleles (0.0026%); highest among the groups gnomAD compares: Non-Finnish European, 0.0035%; no homozygotes.

Submissions (2):

Labcorp Genetics (formerly Invitae), Labcorp
Classification: Uncertain significance for Progressive familial heart block type IB. Last evaluated: 2024-11-19. Review status: criteria provided, single submitter. Criteria: Invitae Variant Classification Sherloc (09022015). Collection method: clinical testing. Allele origin: germline.
Comment: This sequence change replaces isoleucine, which is neutral and non-polar, with methionine, which is neutral and non-polar, at codon 418 of the TRPM4 protein (p.Ile418Met). This variant is present in population databases (rs775519334, gnomAD 0.003%). This variant has not been reported in the literature in individuals affected with TRPM4-related conditions. ClinVar contains an entry for this variant (Variation ID: 2152275). An algorithm developed to predict the effect of missense changes on protein structure and function (PolyPhen-2) suggests that this variant is likely to be disruptive. In summary, the available evidence is currently insufficient to determine the role of this variant in disease. Therefore, it has been classified as a Variant of Uncertain Significance.

Ambry Genetics
Classification: Uncertain significance for Cardiovascular phenotype. Last evaluated: 2024-06-27. Review status: criteria provided, single submitter. Criteria: Ambry Variant Classification Scheme 2023. Collection method: clinical testing. Allele origin: germline.
Comment: The p.I418M variant (also known as c.1254C>G), located in coding exon 10 of the TRPM4 gene, results from a C to G substitution at nucleotide position 1254. The isoleucine at codon 418 is replaced by methionine, an amino acid with highly similar properties. This amino acid position is conserved. In addition, this alteration is predicted to be tolerated by in silico analysis. Based on the available evidence, the clinical significance of this variant remains unclear.